The following is an entry in ClinVar:

NM_001846.4(COL4A2):c.4297G>A (p.Ala1433Thr)

Genes: COL4A2 (collagen type IV alpha 2 chain; plus strand), COL4A2-AS1 (COL4A2 antisense RNA 1; minus strand). Cytogenetic location: 13q34.
Variant type: single nucleotide variant.
Coding change: c.4297G>A on transcript NM_001846.4 (MANE Select); coding-DNA position 4297, G replaced by A.
Protein change: p.Ala1433Thr; replaces alanine 1433 with threonine.
Molecular consequence: missense variant.
Genome position (GRCh38, 1-based): chr13:110,504,159, G>A. VCF-style: chr13-110504159-G-A. GRCh37 (hg19) VCF-style: chr13-111156506-G-A.
Other names: short protein forms A1433T.
Identifiers: ClinVar variation 4761962 (VCV004761962.1).
Genomic context (GRCh38, chr13:110,504,159, plus strand): 5'-GCCAGGCGTGGTCAGTTTCCAGCCATAACGCTTCTTTGGTGGCTTGCAGGTTTCCGTGGG[G>A]CTCCAGGGAAAGCTGGGCCCCAAGGAAGAGGTGGTGTGTCTGCTGTTCCCGGCTTCCGGG-3'
Protein context (NP_001837.2, residues 1423-1443): GPPGEPGFRG[Ala1433Thr]PGKAGPQGRG

ClinVar aggregate classification (germline): Uncertain significance (1 of 4 stars; one submission).

gnomAD v4.1: 6 of 1,614,038 alleles (0.00037%); highest among the groups gnomAD compares: Admixed American, 0.0017%; no homozygotes.

Submission:

Labcorp Genetics (formerly Invitae), Labcorp
Classification: Uncertain significance. Last evaluated: 2025-11-05. Review status: criteria provided, single submitter. Criteria: Invitae Variant Classification Sherloc (09022015). Collection method: clinical testing. Allele origin: germline.
Comment: This sequence change replaces alanine, which is neutral and non-polar, with threonine, which is neutral and polar, at codon 1433 of the COL4A2 protein (p.Ala1433Thr). This variant is present in population databases (rs777115586, gnomAD 0.003%). This variant has not been reported in the literature in individuals affected with COL4A2-related conditions. Invitae Evidence Modeling of protein sequence and biophysical properties (such as structural, functional, and spatial information, amino acid conservation, physicochemical variation, residue mobility, and thermodynamic stability) indicates that this missense variant is not expected to disrupt COL4A2 protein function with a negative predictive value of 95%. In summary, the available evidence is currently insufficient to determine the role of this variant in disease. Therefore, it has been classified as a Variant of Uncertain Significance.